The following is an entry in ClinVar:

NM_006648.4(WNK2):c.3602T>C (p.Met1201Thr)

Gene: WNK2 (WNK lysine deficient protein kinase 2; plus strand). Cytogenetic location: 9q22.31.
Variant type: single nucleotide variant.
Coding change: c.3602T>C on transcript NM_006648.4 (MANE Select); coding-DNA position 3602, T replaced by C.
Protein change: p.Met1201Thr; replaces methionine 1201 with threonine.
Molecular consequence: missense variant.
Genome position (GRCh38, 1-based): chr9:93,263,939, T>C. VCF-style: chr9-93263939-T-C. GRCh37 (hg19) VCF-style: chr9-96026221-T-C.
Other names: c.3602T>C, p.Met1201Thr (NM_001282394.3); short protein forms M1201T.
Identifiers: ClinVar variation 3816815 (VCV003816815.1).

ClinVar aggregate classification (germline): Uncertain significance (1 of 4 stars; one submission).

Submission:

Ambry Genetics
Classification: Uncertain significance. Last evaluated: 2025-01-13. Review status: criteria provided, single submitter. Criteria: Ambry Variant Classification Scheme 2023. Collection method: clinical testing. Allele origin: germline.
Comment: The p.M1201T variant (also known as c.3602T>C), located in coding exon 15 of the WNK2 gene, results from a T to C substitution at nucleotide position 3602. The methionine at codon 1201 is replaced by threonine, an amino acid with similar properties. This amino acid position is conserved. In addition, the in silico prediction for this alteration is inconclusive. Based on the available evidence, the clinical significance of this variant remains unclear.